The following is an entry in ClinVar:

ClinVar aggregate classification (germline): Uncertain significance (1 of 4 stars; one submission).

Conditions:
Joubert syndrome. Also called: CEREBELLOPARENCHYMAL DISORDER IV; JOUBERT-BOLTSHAUSER SYNDROME; Familial aplasia of the vermis. Identifiers: Orphanet 475, MedGen C5979921, MONDO:0018772.
Meckel-Gruber syndrome. Also called: DYSENCEPHALIA SPLANCHNOCYSTICA; GRUBER SYNDROME; Dysencephalia splachnocystica. Identifiers: Orphanet 564, MedGen C0265215, MONDO:0018921.
Nephronophthisis. Also called: Juvenile Nephronophthisis. Identifiers: Orphanet 655, MedGen C0687120, MONDO:0019005, HP:0000090.

Submission:

Labcorp Genetics (formerly Invitae), Labcorp
Classification: Uncertain significance for Joubert syndrome; Meckel-Gruber syndrome; Nephronophthisis. Last evaluated: 2025-07-21. Review status: criteria provided, single submitter. Criteria: Invitae Variant Classification Sherloc (09022015). Collection method: clinical testing. Allele origin: germline.
Comment: This sequence change replaces glycine, which is neutral and non-polar, with glutamic acid, which is acidic and polar, at codon 1934 of the CEP290 protein (p.Gly1934Glu). This variant is not present in population databases (gnomAD no frequency). This variant has not been reported in the literature in individuals affected with CEP290-related conditions. ClinVar contains an entry for this variant (Variation ID: 1996886). Invitae Evidence Modeling of protein sequence and biophysical properties (such as structural, functional, and spatial information, amino acid conservation, physicochemical variation, residue mobility, and thermodynamic stability) indicates that this missense variant is not expected to disrupt CEP290 protein function with a negative predictive value of 80%. In summary, the available evidence is currently insufficient to determine the role of this variant in disease. Therefore, it has been classified as a Variant of Uncertain Significance.

NM_025114.4(CEP290):c.5801G>A (p.Gly1934Glu)

Gene: CEP290 (centrosomal protein 290; minus strand). Cytogenetic location: 12q21.32.
Variant type: single nucleotide variant.
Coding change: c.5801G>A on transcript NM_025114.4 (MANE Select); coding-DNA position 5801, G replaced by A.
Protein change: p.Gly1934Glu; replaces glycine 1934 with glutamic acid.
Molecular consequence: missense variant.
Genome position (GRCh38, 1-based): chr12:88,071,835, C>T on the plus strand (G>A on the coding strand, the complement: CEP290 is on the minus strand). VCF-style: chr12-88071835-C-T. GRCh37 (hg19) VCF-style: chr12-88465612-C-T.
Other names: short protein forms G1934E.
Identifiers: ClinVar variation 1996886 (VCV001996886.4), dbSNP rs2499742125, ClinGen allele CA385984711.
Genomic context (GRCh38, chr12:88,071,835, plus strand): 5'-ACTCACTTGGCAAAAAGATCCTTCAAAGTATTCAACTGCTTTGTTAAAGTAAAGACTTCC[C>T]CCTCTTTCTCTTTTAACTTGTTTCGAATTCCTTCTATTTTGGCTTGCCACTTTTTACCTT-3'
Protein context (NP_079390.3, residues 1924-1944): GIRNKLKEKE[Gly1934Glu]EVFTLTKQLN